The following is an entry in ClinVar:

NM_000517.6(HBA2):c.123G>C (p.Lys41Asn)

Genes: HBA2 (hemoglobin subunit alpha 2; plus strand), LOC106804612 (hemoglobin subunit alpha 2 recombination region; plus strand). Cytogenetic location: 16p13.3.
Variant type: single nucleotide variant.
Coding change: c.123G>C on transcript NM_000517.6 (MANE Select); coding-DNA position 123, G replaced by C.
Protein change: p.Lys41Asn; replaces lysine 41 with asparagine.
Molecular consequence: missense variant.
Genome position (GRCh38, 1-based): chr16:173,152, G>C. VCF-style: chr16-173152-G-C. GRCh37 (hg19) VCF-style: chr16-223151-G-C.
Other names: short protein forms K41N.
Identifiers: ClinVar variation 3893266 (VCV003893266.1), dbSNP rs281864471.

ClinVar aggregate classification (germline): Uncertain significance (0 of 4 stars; one submission).

Conditions:
alpha Thalassemia. Also called: Alpha thalassemia spectrum. Identifiers: Orphanet 846, MedGen C0002312, MONDO:0011399, OMIM 604131.

Submission:

MOLECULAR BIOLOGY AND HUMAN GENETICS DIVISION, THE UNIVERSITY OF BURDWAN
Classification: Uncertain significance for alpha Thalassemia. Last evaluated: 2025-04-21. Review status: no assertion criteria provided. Collection method: research. Allele origin: germline. Observed: 1 variant allele.
Comment: The variant was identified in very low frequency in general population, ACMG 2015 automated variant classification predict this variant as uncertain signifinicant variant

The variant detected in heterozygous condition.